The following is an entry in ClinVar:

ClinVar aggregate classification (germline): Pathogenic/Likely pathogenic. Review status: criteria provided, multiple submitters, no conflicts (2 of 4 stars). 24 submissions from 24 submitters: Pathogenic (17); Likely pathogenic (2). 5 of the submissions do not count toward it. Last evaluated 2026-06-12.

Conditions:
Wilson disease (WND). Also called: Wilson's disease. Identifiers: Orphanet 905, MedGen C0019202, MONDO:0010200, OMIM 277900. Disease mechanism: loss of function.

Allele frequency attached by ClinVar (database versions not stated): gnomAD 0.00001; TOPMed 0.00001; gnomAD exomes 0.00002; ESP Exome Variant Server 0.00008; ExAC 0.00002.
gnomAD v4.1: 24 of 1,614,052 alleles (0.0015%); highest among the groups gnomAD compares: Middle Eastern, 0.016%; no homozygotes.

Submissions 1 to 11 of 24:

Myriad Genetics, Inc.
Classification: Pathogenic for Wilson disease. Last evaluated: 2026-06-12. Review status: criteria provided, single submitter. Criteria: Myriad Autosomal Dominant, Autosomal Recessive and X-Linked Classification Criteria (2023). Collection method: clinical testing. Allele origin: unknown.
Comment: NM_000053.3(ATP7B):c.51+4A>T is an intronic variant classified as pathogenic in the context of Wilson disease. c.51+4A>T has been observed in cases with relevant disease (PMID: 25497208, 23982005, 20967755, 33159804, 32043565, 35864215, 37644014, 37323222, 34773664, 22677543). Relevant functional assessments of this variant are available in the literature (PMID: 19371217, 15024742). c.51+4A>T has been observed in referenced population frequency databases. In summary, NM_000053.3(ATP7B):c.51+4A>T is an intronic variant that has functional support for pathogenicity and has been observed more frequently in cases with the relevant disease than in healthy populations. Please note: this variant was assessed in the context of healthy population screening.

Labcorp Genetics (formerly Invitae), Labcorp
Classification: Pathogenic for Wilson disease. Last evaluated: 2026-01-12. Review status: criteria provided, single submitter. Criteria: Invitae Variant Classification Sherloc (09022015). Collection method: clinical testing. Allele origin: germline.
Comment: This sequence change falls in intron 1 of the ATP7B gene. It does not directly change the encoded amino acid sequence of the ATP7B protein. RNA analysis indicates that this variant induces altered splicing and may result in an absent or altered protein product. This variant is present in population databases (rs369488210, gnomAD 0.003%). This variant has been observed in individuals with ATP7B-related conditions (PMID: 15024742, 19371217, 20967755, 23962630, 25497208). It has also been observed to segregate with disease in related individuals. ClinVar contains an entry for this variant (Variation ID: 312401). Variants that disrupt the consensus splice site are a relatively common cause of aberrant splicing (PMID: 17576681, 9536098). Studies have shown that this variant results in the insertion of 369 nucleotides from intron 1, and produces a non-functional protein and/or introduces a premature termination codon (PMID: 19371217). For these reasons, this variant has been classified as Pathogenic.

Otogenetics
Classification: Pathogenic for Wilson disease. Last evaluated: 2025-12-05. Review status: criteria provided, single submitter. Criteria: ACMG Guidelines, 2015. Collection method: clinical testing. Allele origin: germline.
Comment: PM2: Maximum gnomAD MAF of 0.0029% in American (AMR) subpopulation (<0.235% threshold); PM3_VeryStrong: Variant reported in homozygous state in two affected individuals and in trans with 6 pathogenic variants in 6 individuals affected with Wilson’s disease (PMID: 23962630, 23982005, 25497208, 34773664, 35864215, 37323222, 38588792); PP3: In-silico models predict deleterious effect (SpliceAI = 0.79, dbscSNV Ada = 1, dbscSNV RF = 0.96)

Natera, Inc.
Classification: Pathogenic for Wilson disease. Last evaluated: 2025-11-04. Review status: criteria provided, single submitter. Criteria: Natera Variant Classification Schema (03/2026). Collection method: clinical testing. Allele origin: germline.
Comment: The c.51+4A>T variant in ATP7B is an intronic variant located outside the canonical splice sites. This variant is rare in the general population with a frequency below the threshold expected for the associated phenotype(s). This variant has been observed in one or more individuals affected with the associated recessive disease, as either homozygous or compound heterozygous with a second variant (PMID: 32043565, 23982005, 25497208). Functional studies show that this variant may disrupt protein function (PMID: 19371217). Given the available evidence, this variant is classified as Pathogenic.

GeneDx
Classification: Pathogenic. Last evaluated: 2025-06-04. Review status: criteria provided, single submitter. Criteria: GeneDx Variant Classification Process June 2021. Collection method: clinical testing. Allele origin: germline.
Comment: Intronic variant demonstrated to cause aberrant splicing leading to a null allele in a gene for which loss-of-function is a known mechanism of disease (PMID: 19371217); Not observed at significant frequency in large population cohorts (gnomAD); In silico analysis supports a deleterious effect on splicing; This variant is associated with the following publications: (PMID: 31589614, 24661374, 22677543, 35864215, 38588792, 34091542, 19118915, 23962630, 25497208, 19371217, 34400371, 36437915, 37323222, 32043565, 15024742, 23982005, 34773664, 36096368, 37644014, 33159804)

All of Us Research Program, National Institutes of Health
Classification: Pathogenic for Wilson disease. Last evaluated: 2024-08-06. Review status: criteria provided, single submitter. Criteria: ACMG Guidelines, 2015. Collection method: clinical testing. Allele origin: germline. Inheritance: Autosomal recessive inheritance. Observed: 9 variant alleles, 9 heterozygotes.
Comment: This variant causes an A to T nucleotide substitution at the +4 position of intron 1 of the ATP7B gene. Splice site prediction tools predict that this variant may have a significant impact on RNA splicing. This variant has been observed in individuals affected with autosomal recessive Wilson disease (PMID: 15024742, 19118915, 19371217, 23518715, 23962630, 25497208), indicating that this variant contributes to disease. It has been reported in the homozygous state in two siblings (PMID: 15024742) and compound heterozygous state in at least eight individuals from different families (PMID: 19118915, 19371217, 23518715, 23962630, 25497208). This variant has been identified in 4/249336 chromosomes in the general population by the Genome Aggregation Database (gnomAD). Loss of ATP7B function is a known mechanism of disease. Based on the available evidence, this variant is classified as Pathogenic.

This study involves interpretation of variants in research participants for the purpose of population health screening. Participant phenotype was not available at the time of variant classification. Additional details can be found in publication PMID: 35346344, PMCID: PMC8962531

CeGaT Center for Human Genetics Tuebingen
Classification: Pathogenic. Last evaluated: 2024-07-01. Review status: criteria provided, single submitter. Criteria: CeGaT Center For Human Genetics Tuebingen Variant Classification Criteria Version 2. Collection method: clinical testing. Allele origin: germline. Affected: yes. Observed: 1 variant allele.
Comment: ATP7B: PM3:Very Strong, PM2, PS3:Supporting

Fulgent Genetics
Classification: Pathogenic for Wilson disease. Last evaluated: 2024-04-13. Review status: criteria provided, single submitter. Criteria: ACMG Guidelines, 2015. Collection method: clinical testing. Allele origin: germline.

Genomic Medicine Center of Excellence, King Faisal Specialist Hospital and Research Centre
Classification: Pathogenic for Wilson disease. Last evaluated: 2024-03-14. Review status: criteria provided, single submitter. Criteria: ACMG Guidelines, 2015. Collection method: clinical testing. Allele origin: germline.

Color Diagnostics, LLC DBA Color Health
Classification: Pathogenic for Wilson disease. Last evaluated: 2023-11-20. Review status: criteria provided, single submitter. Criteria: ACMG Guidelines, 2015. Collection method: clinical testing. Allele origin: germline.
Comment: This variant causes an A to T nucleotide substitution at the +4 position of intron 1 of the ATP7B gene. Splice site prediction tools predict that this variant may have a significant impact on RNA splicing. This variant has been observed in individuals affected with autosomal recessive Wilson disease (PMID: 15024742, 19118915, 19371217, 23518715, 23962630, 25497208). It has been reported in the homozygous state in two siblings (PMID: 15024742) and compound heterozygous state in at least eight individuals from different families (PMID: 19118915, 19371217, 23518715, 23962630, 25497208). This variant has been identified in 4/249336 chromosomes in the general population by the Genome Aggregation Database (gnomAD). Loss of ATP7B function is a known mechanism of disease. Based on the available evidence, this variant is classified as Pathogenic.

Mayo Clinic Laboratories, Mayo Clinic
Classification: Likely pathogenic. Last evaluated: 2023-03-15. Review status: criteria provided, single submitter. Criteria: ACMG Guidelines, 2015. Collection method: clinical testing. Allele origin: germline. Observed: 3 variant alleles.
Comment: PP1, PP3, PP4, PM2, PM3, PS4_moderate

NM_000053.4(ATP7B):c.51+4A>T

Gene: ATP7B (ATPase copper transporting beta; minus strand). Cytogenetic location: 13q14.3.
Variant type: single nucleotide variant.
Coding change: c.51+4A>T on transcript NM_000053.4 (MANE Select); 4 bases into the intron after coding-DNA position 51, A replaced by T.
Molecular consequence: intron variant.
Genome position (GRCh38, 1-based): chr13:52,011,283, T>A on the plus strand (A>T on the coding strand, the complement: ATP7B is on the minus strand). VCF-style: chr13-52011283-T-A. GRCh37 (hg19) VCF-style: chr13-52585419-T-A.
Other names: c.51+4A>T (NM_001243182.2, NM_001005918.3, NM_001330579.2 and 2 more transcripts).
Identifiers: ClinVar variation 312401 (VCV000312401.74), dbSNP rs369488210, ClinGen allele CA6989708.
Genomic context (GRCh38, chr13:52,011,283, plus strand): 5'-CGGGGAGGAAAATCCTCCTGGTGGGAGTGAGCACGCTGCGCGGACGCGGGGGAACAAAAC[T>A]CACTTTCCGACTGGCCCCTTCTCTGGCTGTGATCTGTCTCTCCTGCTCAGGCATCGTCCC-3'